The following is an entry in ClinVar:

ClinVar aggregate classification (germline): Pathogenic. Review status: criteria provided, single submitter (1 of 4 stars). 2 submissions from 2 submitters: Pathogenic (1). 1 of the submissions does not count toward it. Last evaluated 2022-08-18.

Conditions:
Breast and/or ovarian cancer. Identifiers: MedGen CN221562.
Microcephaly, normal intelligence and immunodeficiency (NBS). Also called: BERLIN BREAKAGE SYNDROME; Immunodeficiency, microcephaly with normal intelligence; SEEMANOVA SYNDROME II; Nijmegen breakage syndrome; Microcephaly with normal intelligence immunodeficiency and lymphoreticular malignancies; Nonsyndromal microcephaly autosomal recessive with normal intelligence. Identifiers: Orphanet 647, MedGen C0398791, MONDO:0009623, OMIM 251260.

Submissions (2):

Labcorp Genetics (formerly Invitae), Labcorp
Classification: Pathogenic for Microcephaly, normal intelligence and immunodeficiency. Last evaluated: 2022-08-18. Review status: criteria provided, single submitter. Criteria: Invitae Variant Classification Sherloc (09022015). Collection method: clinical testing. Allele origin: germline.
Comment: This variant has not been reported in the literature in individuals affected with NBN-related conditions. This sequence change creates a premature translational stop signal (p.Trp2*) in the NBN gene. It is expected to result in an absent or disrupted protein product. Loss-of-function variants in NBN are known to be pathogenic (PMID: 9590180, 16415040). This variant is not present in population databases (gnomAD no frequency). ClinVar contains an entry for this variant (Variation ID: 989423). For these reasons, this variant has been classified as Pathogenic.

CZECANCA consortium
Classification: Pathogenic for Breast and/or ovarian cancer. Last evaluated: 2019-06-11. Review status: no assertion criteria provided. Collection method: clinical testing. Allele origin: germline. Affected: yes. Observed: 1 variant allele. Not counted in ClinVar's aggregate classification.

Literature cited by the submitters: PubMed 9590180 (cited by Labcorp Genetics (formerly Invitae), Labcorp); PubMed 16415040 (cited by Labcorp Genetics (formerly Invitae), Labcorp); PubMed 32295079 (cited by CZECANCA consortium).

NM_002485.5(NBN):c.5G>A (p.Trp2Ter)

Gene: NBN (nibrin; minus strand). Cytogenetic location: 8q21.3.
Variant type: single nucleotide variant.
Coding change: c.5G>A on transcript NM_002485.5 (MANE Select); coding-DNA position 5, G replaced by A.
Protein change: p.Trp2Ter; replaces tryptophan 2 with a stop codon.
Molecular consequence: nonsense. On other transcripts: 5 prime UTR variant (1).
Genome position (GRCh38, 1-based): chr8:89,984,557, C>T on the plus strand (G>A on the coding strand, the complement: NBN is on the minus strand). VCF-style: chr8-89984557-C-T. GRCh37 (hg19) VCF-style: chr8-90996785-C-T.
Other names: c.-292G>A (NM_001024688.3); short protein forms W2*.
Identifiers: ClinVar variation 989423 (VCV000989423.5), dbSNP rs1812244679, ClinGen allele CA371664218.